The following is an entry in ClinVar:

NM_199420.4(POLQ):c.3994A>T (p.Ile1332Leu)

Gene: POLQ (DNA polymerase theta; minus strand). Cytogenetic location: 3q13.33.
Variant type: single nucleotide variant.
Coding change: c.3994A>T on transcript NM_199420.4 (MANE Select); coding-DNA position 3994, A replaced by T.
Protein change: p.Ile1332Leu; replaces isoleucine 1332 with leucine.
Molecular consequence: missense variant.
Genome position (GRCh38, 1-based): chr3:121,488,937, T>A on the plus strand (A>T on the coding strand, the complement: POLQ is on the minus strand). VCF-style: chr3-121488937-T-A. GRCh37 (hg19) VCF-style: chr3-121207784-T-A.
Other names: short protein forms I1332L.
Identifiers: ClinVar variation 3229976 (VCV003229976.1), dbSNP rs372561824, ClinGen allele CA81835970.

ClinVar aggregate classification (germline): Uncertain significance (1 of 4 stars; one submission).

Allele frequency attached by ClinVar (database versions not stated): TOPMed below 0.00001; gnomAD 0.00001; ESP Exome Variant Server 0.00008.
gnomAD v4.1: 1 of 1,614,078 alleles (0.000062%); highest among the groups gnomAD compares: Non-Finnish European, 0.000085%; no homozygotes.

Submission:

Ambry Genetics
Classification: Uncertain significance. Last evaluated: 2023-09-16. Review status: criteria provided, single submitter. Criteria: Ambry Variant Classification Scheme 2023. Collection method: clinical testing. Allele origin: germline.
Comment: The p.I1332L variant (also known as c.3994A>T), located in coding exon 16 of the POLQ gene, results from an A to T substitution at nucleotide position 3994. The isoleucine at codon 1332 is replaced by leucine, an amino acid with highly similar properties. This amino acid position is conserved. In addition, this alteration is predicted to be tolerated by in silico analysis. Since supporting evidence is limited at this time, the clinical significance of this alteration remains unclear.